The following is an entry in ClinVar:

ClinVar aggregate classification (germline): Uncertain significance (1 of 4 stars; one submission).

Conditions:
KLHL24-related disorder. Also called: KLHL24-related condition.

gnomAD v4.1: 1 of 152,162 alleles (0.00066%); highest among the groups gnomAD compares: African/African-American, 0.0024%; no homozygotes.

Submission:

PreventionGenetics, part of Exact Sciences
Classification: Uncertain significance for KLHL24-related condition. Last evaluated: 2026-08-11. Review status: criteria provided, single submitter. Criteria: ACMG Guidelines, 2015. Collection method: clinical testing. Allele origin: germline.
Comment: The KLHL24 c.3G>A variant is predicted to disrupt the translation initiation site (Start loss). This variant corresponds to a deep intronic position in an alternate transcript for this gene (NM_017644:c.920+2739G>A). To our knowledge, this variant has not been reported in the literature. This variant is reported in 0.011% of alleles in individuals of African descent in gnomAD. At this time, the clinical significance of this variant is uncertain due to the absence of conclusive functional and genetic evidence.

NM_017644.3(KLHL24):c.920+2739G>A

Gene: KLHL24 (kelch like family member 24; plus strand). Cytogenetic location: 3q27.1.
Variant type: single nucleotide variant.
Coding change: c.920+2739G>A on transcript NM_017644.3 (MANE Select); 2739 bases into the intron after coding-DNA position 920, G replaced by A.
Molecular consequence: intron variant. On other transcripts: missense variant (2), initiator codon variant (2).
Genome position (GRCh38, 1-based): chr3:183,654,015, G>A. VCF-style: chr3-183654015-G-A. GRCh37 (hg19) VCF-style: chr3-183371803-G-A.
Other names: c.3G>A, p.Met1Ile (NM_001349428.1, NM_001349429.1); c.920+2739G>A (NM_001349418.1, NM_001349424.1, NM_001349413.1 and 11 more transcripts); short protein forms M1I.
Identifiers: ClinVar variation 4991685 (VCV004991685.1).